The following is an entry in ClinVar:

NM_005263.5(GFI1):c.410A>G (p.Gln137Arg)

Gene: GFI1 (growth factor independent 1 transcriptional repressor; minus strand). Cytogenetic location: 1p22.1.
Variant type: single nucleotide variant.
Coding change: c.410A>G on transcript NM_005263.5 (MANE Select); coding-DNA position 410, A replaced by G.
Protein change: p.Gln137Arg; replaces glutamine 137 with arginine.
Molecular consequence: missense variant.
Genome position (GRCh38, 1-based): chr1:92,480,977, T>C on the plus strand (A>G on the coding strand, the complement: GFI1 is on the minus strand). VCF-style: chr1-92480977-T-C. GRCh37 (hg19) VCF-style: chr1-92946534-T-C.
Other names: c.410A>G, p.Gln137Arg (NM_001127215.3, NM_001127216.3); short protein forms Q137R.
Identifiers: ClinVar variation 1954046 (VCV001954046.6), dbSNP rs1261626483, ClinGen allele CA341149896.
Genomic context (GRCh38, chr1:92,480,977, plus strand): 5'-GGTTCGCAGAAGAGGCCCAGGCCAGCGCCACGCTCCAGGGCCCCACACGGTCGGTAGCTC[T>C]GCACCAGGTGCCGCAGGTCAGAACCCGCCAGGCCGCTCCATGAGTACGGTTTGAAAGGCA-3'
Protein context (NP_005254.2, residues 127-147): LAGSDLRHLV[Gln137Arg]SYRPCGALER

ClinVar aggregate classification (germline): Uncertain significance. Review status: criteria provided, multiple submitters, no conflicts (2 of 4 stars). 2 submissions from 2 submitters: Uncertain significance (2). Last evaluated 2024-12-16.

Conditions:
Neutropenia, severe congenital, 2, autosomal dominant. Identifiers: Orphanet 486, MedGen C2751288, MONDO:0013139, OMIM 613107.

Allele frequency attached by ClinVar (database versions not stated): gnomAD exomes below 0.00001; gnomAD 0.00001.
gnomAD v4.1: 4 of 1,604,386 alleles (0.00025%); highest among the groups gnomAD compares: Admixed American, 0.0068%; no homozygotes.

Submissions (2):

Ambry Genetics
Classification: Uncertain significance. Last evaluated: 2024-12-16. Review status: criteria provided, single submitter. Criteria: Ambry Variant Classification Scheme 2023. Collection method: clinical testing. Allele origin: germline.
Comment: The p.Q137R variant (also known as c.410A>G), located in coding exon 3 of the GFI1 gene, results from an A to G substitution at nucleotide position 410. The glutamine at codon 137 is replaced by arginine, an amino acid with highly similar properties. This amino acid position is conserved. In addition, this alteration is predicted to be tolerated by in silico analysis. Based on the available evidence, the clinical significance of this variant remains unclear.

Labcorp Genetics (formerly Invitae), Labcorp
Classification: Uncertain significance for Neutropenia, severe congenital, 2, autosomal dominant. Last evaluated: 2022-03-30. Review status: criteria provided, single submitter. Criteria: Invitae Variant Classification Sherloc (09022015). Collection method: clinical testing. Allele origin: germline.
Comment: In summary, the available evidence is currently insufficient to determine the role of this variant in disease. Therefore, it has been classified as a Variant of Uncertain Significance. Algorithms developed to predict the effect of missense changes on protein structure and function (SIFT, PolyPhen-2, Align-GVGD) all suggest that this variant is likely to be tolerated. This variant has not been reported in the literature in individuals affected with GFI1-related conditions. This variant is present in population databases (no rsID available, gnomAD 0.01%). This sequence change replaces glutamine, which is neutral and polar, with arginine, which is basic and polar, at codon 137 of the GFI1 protein (p.Gln137Arg).